The following is an entry in ClinVar:

NM_004415.4(DSP):c.1155G>A (p.Ala385=)

Gene: DSP (desmoplakin; plus strand). Cytogenetic location: 6p24.3.
Variant type: single nucleotide variant.
Coding change: c.1155G>A on transcript NM_004415.4 (MANE Select); coding-DNA position 1155, G replaced by A.
Protein change: p.Ala385=; no amino-acid change (alanine 385 retained).
Molecular consequence: synonymous variant.
Genome position (GRCh38, 1-based): chr6:7,567,795, G>A. VCF-style: chr6-7567795-G-A. GRCh37 (hg19) VCF-style: chr6-7568028-G-A.
Other names: c.1155G>A, p.Ala385= (NM_001008844.3, NM_001319034.2); c.1155G>A (LRG_423t1, NM_004415.3).
Identifiers: ClinVar variation 378907 (VCV000378907.52), dbSNP rs140488069, ClinGen allele CA027118.
Genomic context (GRCh38, chr6:7,567,795, plus strand): 5'-CTCATTGAGTTGCTGTTCATTCACTGATCACTCTCATCCTTCACAGTTTTTTGAAGAGGC[G>A]CAGTCTACTGAAGCATACCTGAAGGGGCTCCAGGACTCCATCAGGAAGAAGTACCCCTGC-3'
Protein context (NP_004406.2, residues 375-395): NAAYFQFFEE[Ala385=]QSTEAYLKGL

ClinVar aggregate classification (germline): Likely benign. Review status: criteria provided, multiple submitters, no conflicts (2 of 4 stars). 9 submissions from 9 submitters: Likely benign (9). Last evaluated 2026-01-26.

Conditions:
Cardiovascular phenotype. Identifiers: MedGen CN230736.
Arrhythmogenic right ventricular dysplasia 8 (ARVD8). Also called: Arrhythmogenic Right Ventricular Dysplasia/Cardiomyopathy 8; ARRHYTHMOGENIC RIGHT VENTRICULAR DYSPLASIA, FAMILIAL, 8; ARRHYTHMOGENIC RIGHT VENTRICULAR CARDIOMYOPATHY 8. Identifiers: MedGen C1843896, MONDO:0011831, OMIM 607450.
Arrhythmogenic cardiomyopathy with wooly hair and keratoderma. Also called: PALMOPLANTAR KERATODERMA WITH LEFT VENTRICULAR CARDIOMYOPATHY AND WOOLLY HAIR; Arrhythmogenic cardiomyopathy with woolly hair and keratoderma; Carvajal syndrome; Dilated cardiomyopathy with woolly hair and keratoderma. Identifiers: Orphanet 65282, MedGen C1854063, MONDO:0011581, OMIM 605676.
Cardiomyopathy (CMYO). Also called: Cardiomyopathies. Identifiers: Orphanet 167848, MedGen C0878544, MONDO:0004994, HP:0001638. Inheritance: Various modes of inheritance.
Lethal acantholytic epidermolysis bullosa (EBLA). Identifiers: Orphanet 158687, MedGen C1864826, MONDO:0012323, OMIM 609638.
Keratosis palmoplantaris striata 2. Also called: Keratosis palmoplantaris striata II; KERATODERMA, PALMOPLANTAR, STRIATE FORM II; STRIATE PALMOPLANTAR KERATODERMA II. Identifiers: MedGen C1852127, MONDO:0013034, OMIM 612908.
Cardiomyopathy, dilated, with wooly hair, keratoderma, and tooth agenesis. Also called: Erythrokeratodermia-cardiomyopathy syndrome; Cardiomyopathy, dilated, with woolly hair, keratoderma, and tooth agenesis. Identifiers: Orphanet 476096, Orphanet 65282, MedGen C4014393, MONDO:0014355, OMIM 615821.
Woolly hair-skin fragility syndrome (WHSF). Identifiers: Orphanet 293165, MedGen C1843292, MONDO:0957307, OMIM 620415.

Allele frequency attached by ClinVar (database versions not stated): gnomAD 0.00006 and 0.00007; TOPMed 0.00006; ESP Exome Variant Server 0.00008.
gnomAD v4.1: 108 of 1,613,756 alleles (0.0067%); highest among the groups gnomAD compares: East Asian, 0.011%; no homozygotes.

Submissions (9):

Labcorp Genetics (formerly Invitae), Labcorp
Classification: Likely benign for Arrhythmogenic cardiomyopathy with wooly hair and keratoderma; Arrhythmogenic right ventricular dysplasia 8. Last evaluated: 2026-01-26. Review status: criteria provided, single submitter. Criteria: Invitae Variant Classification Sherloc (09022015). Collection method: clinical testing. Allele origin: germline.

Blueprint Genetics
Classification: Likely benign. Last evaluated: 2024-08-01. Review status: criteria provided, single submitter. Criteria: ACMG Guidelines, 2015. Collection method: clinical testing. Allele origin: germline.

All of Us Research Program, National Institutes of Health
Classification: Likely benign for Arrhythmogenic cardiomyopathy with wooly hair and keratoderma. Last evaluated: 2023-12-18. Review status: criteria provided, single submitter. Criteria: ACMG Guidelines, 2015. Collection method: clinical testing. Allele origin: germline. Inheritance: Autosomal dominant inheritance. Observed: 24 variant alleles, 24 heterozygotes.
Comment: This study involves interpretation of variants in research participants for the purpose of population health screening. Participant phenotype was not available at the time of variant classification. Additional details can be found in publication PMID: 35346344, PMCID: PMC8962531

Women's Health and Genetics/Laboratory Corporation of America, LabCorp
Classification: Likely benign. Last evaluated: 2023-02-13. Review status: criteria provided, single submitter. Criteria: LabCorp Variant Classification Summary - May 2015. Collection method: clinical testing. Allele origin: germline.

Fulgent Genetics
Classification: Likely benign for Arrhythmogenic cardiomyopathy with wooly hair and keratoderma; Arrhythmogenic right ventricular dysplasia 8; Lethal acantholytic epidermolysis bullosa; Keratosis palmoplantaris striata 2; Cardiomyopathy, dilated, with wooly hair, keratoderma, and tooth agenesis. Last evaluated: 2021-09-14. Review status: criteria provided, single submitter. Criteria: ACMG Guidelines, 2015. Collection method: clinical testing. Allele origin: unknown.

CeGaT Center for Human Genetics Tuebingen
Classification: Likely benign. Last evaluated: 2021-03-01. Review status: criteria provided, single submitter. Criteria: CeGaT Center For Human Genetics Tuebingen Variant Classification Criteria Version 2. Collection method: clinical testing. Allele origin: germline. Affected: yes. Observed: 1 variant allele.

Ambry Genetics
Classification: Likely benign for Cardiovascular phenotype. Last evaluated: 2020-08-05. Review status: criteria provided, single submitter. Criteria: Ambry Variant Classification Scheme 2023. Collection method: clinical testing. Allele origin: germline.

Color Diagnostics, LLC DBA Color Health
Classification: Likely benign for Cardiomyopathy. Last evaluated: 2018-11-30. Review status: criteria provided, single submitter. Criteria: ACMG Guidelines, 2015. Collection method: clinical testing. Allele origin: germline.

GeneDx
Classification: Likely benign. Last evaluated: 2015-10-26. Review status: criteria provided, single submitter. Criteria: GeneDx Variant Classification (06012015). Collection method: clinical testing. Allele origin: germline. Affected: yes.
Comment: This variant is considered likely benign or benign based on one or more of the following criteria: it is a conservative change, it occurs at a poorly conserved position in the protein, it is predicted to be benign by multiple in silico algorithms, and/or has population frequency not consistent with disease.